The following is an entry in ClinVar:

ClinVar aggregate classification (germline): Uncertain significance. Review status: criteria provided, multiple submitters, no conflicts (2 of 4 stars). 2 submissions from 2 submitters: Uncertain significance (2). Last evaluated 2024-10-30.

Conditions:
Hereditary cancer-predisposing syndrome. Also called: Hereditary neoplastic syndrome; Hereditary Cancer Syndrome; Tumor predisposition; Neoplastic Syndromes, Hereditary. Identifiers: Orphanet 140162, MedGen C0027672, MeSH D009386, MONDO:0015356.
Fanconi anemia complementation group O. Also called: RAD51C-Related Fanconi Anemia. Identifiers: Orphanet 84, MedGen C3150653, MONDO:0013248, OMIM 613390.

Allele frequency attached by ClinVar (database versions not stated): gnomAD exomes below 0.00001.

Submissions (2):

Labcorp Genetics (formerly Invitae), Labcorp
Classification: Uncertain significance for Fanconi anemia complementation group O. Last evaluated: 2024-10-30. Review status: criteria provided, single submitter. Criteria: Invitae Variant Classification Sherloc (09022015). Collection method: clinical testing. Allele origin: germline.
Comment: This sequence change replaces serine, which is neutral and polar, with asparagine, which is neutral and polar, at codon 163 of the RAD51C protein (p.Ser163Asn). This variant is present in population databases (no rsID available, gnomAD 0.003%). This variant has not been reported in the literature in individuals affected with RAD51C-related conditions. ClinVar contains an entry for this variant (Variation ID: 967391). Invitae Evidence Modeling of protein sequence and biophysical properties (such as structural, functional, and spatial information, amino acid conservation, physicochemical variation, residue mobility, and thermodynamic stability) indicates that this missense variant is not expected to disrupt RAD51C protein function with a negative predictive value of 80%. In summary, the available evidence is currently insufficient to determine the role of this variant in disease. Therefore, it has been classified as a Variant of Uncertain Significance.

Ambry Genetics
Classification: Uncertain significance for Hereditary cancer-predisposing syndrome. Last evaluated: 2020-10-11. Review status: criteria provided, single submitter. Criteria: Ambry Variant Classification Scheme 2023. Collection method: clinical testing. Allele origin: germline.
Comment: The p.S163N variant (also known as c.488G>A), located in coding exon 3 of the RAD51C gene, results from a G to A substitution at nucleotide position 488. The serine at codon 163 is replaced by asparagine, an amino acid with highly similar properties. This amino acid position is highly conserved in available vertebrate species. In addition, this alteration is predicted to be tolerated by in silico analysis. Since supporting evidence is limited at this time, the clinical significance of this alteration remains unclear.

NM_058216.3(RAD51C):c.488G>A (p.Ser163Asn)

Gene: RAD51C (RAD51 paralog C; plus strand). Cytogenetic location: 17q22.
Variant type: single nucleotide variant.
Coding change: c.488G>A on transcript NM_058216.3 (MANE Select); coding-DNA position 488, G replaced by A.
Protein change: p.Ser163Asn; replaces serine 163 with asparagine.
Molecular consequence: missense variant.
Genome position (GRCh38, 1-based): chr17:58,696,776, G>A. VCF-style: chr17-58696776-G-A. GRCh37 (hg19) VCF-style: chr17-56774137-G-A.
Other names: short protein forms S163N.
Identifiers: ClinVar variation 967391 (VCV000967391.12), dbSNP rs1235906176, ClinGen allele CA400344789.